The following is an entry in ClinVar:

NM_019037.3(EXOSC4):c.618C>T (p.His206=)

Gene: EXOSC4 (exosome component 4; plus strand). Cytogenetic location: 8q24.3.
Variant type: single nucleotide variant.
Coding change: c.618C>T on transcript NM_019037.3 (MANE Select); coding-DNA position 618, C replaced by T.
Protein change: p.His206=; no amino-acid change (histidine 206 retained).
Molecular consequence: synonymous variant.
Genome position (GRCh38, 1-based): chr8:144,080,481, C>T. VCF-style: chr8-144080481-C-T. GRCh37 (hg19) VCF-style: chr8-145135384-C-T.
Identifiers: ClinVar variation 2658966 (VCV002658966.24), dbSNP rs145828514, ClinGen allele CA187626116.

ClinVar aggregate classification (germline): Likely benign (1 of 4 stars; one submission).

Allele frequency attached by ClinVar (database versions not stated): gnomAD 0.00001; TOPMed 0.00001; ESP Exome Variant Server 0.00008.
gnomAD v4.1: 62 of 1,607,674 alleles (0.0039%); highest among the groups gnomAD compares: Non-Finnish European, 0.0048%; 1 homozygote.

Submission:

CeGaT Center for Human Genetics Tuebingen
Classification: Likely benign. Last evaluated: 2022-07-01. Review status: criteria provided, single submitter. Criteria: CeGaT Center For Human Genetics Tuebingen Variant Classification Criteria Version 2. Collection method: clinical testing. Allele origin: germline. Affected: yes. Observed: 1 variant allele.
Comment: EXOSC4: BP4, BP7